The following is an entry in ClinVar:

ClinVar aggregate classification (germline): Benign/Likely benign. Review status: criteria provided, multiple submitters, no conflicts (2 of 4 stars). 20 submissions from 20 submitters: Benign (12); Likely benign (5). 3 of the submissions do not count toward it. Last evaluated 2026-05-01.

Conditions:
Lymphangiomyomatosis (LAM). Also called: Lymphangioleiomyomatosis; Lymphangioleiomyomatosis, somatic. Identifiers: Orphanet 538, MedGen C0751674, MONDO:0011705, OMIM 606690.
Isolated focal cortical dysplasia type II (FCORD2). Also called: CORTICAL DYSPLASIA OF TAYLOR; Focal cortical dysplasia type II. Identifiers: Orphanet 268994, MedGen C1846385, MONDO:0011818, OMIM 607341, HP:0032051.
Tuberous sclerosis 2 (TSC2). Identifiers: Orphanet 805, MedGen C1860707, MONDO:0013199, OMIM 613254.
Hereditary cancer-predisposing syndrome. Also called: Hereditary Cancer Syndrome; Tumor predisposition; Neoplastic Syndromes, Hereditary; Hereditary neoplastic syndrome. Identifiers: Orphanet 140162, MedGen C0027672, MeSH D009386, MONDO:0015356.
Tuberous sclerosis syndrome (TSC). Also called: Tuberous Sclerosis Complex; Tuberous sclerosis. Identifiers: Orphanet 805, MedGen C0041341, MONDO:0001734.

Allele frequency attached by ClinVar (database versions not stated): 1000 Genomes Project 30x 0.00094; ExAC 0.00099; gnomAD exomes 0.00107; 1000 Genomes Project 0.00120; ESP Exome Variant Server 0.00031; gnomAD 0.00051 and 0.00063; TOPMed 0.00064.
gnomAD v4.1: 825 of 1,613,510 alleles (0.051%); highest among the groups gnomAD compares: East Asian, 1.5%; 6 homozygotes.

Submissions (20):

CeGaT Center for Human Genetics Tuebingen
Classification: Likely benign. Last evaluated: 2026-05-01. Review status: criteria provided, single submitter. Criteria: CeGaT Center For Human Genetics Tuebingen Variant Classification Criteria Version 2. Collection method: clinical testing. Allele origin: germline. Affected: yes. Observed: 6 variant alleles.
Comment: TSC2: BP4, BP7, BS1

Labcorp Genetics (formerly Invitae), Labcorp
Classification: Benign for Tuberous sclerosis 2. Last evaluated: 2026-02-04. Review status: criteria provided, single submitter. Criteria: Invitae Variant Classification Sherloc (09022015). Collection method: clinical testing. Allele origin: germline.

Myriad Genetics, Inc.
Classification: Benign for Tuberous sclerosis 2. Last evaluated: 2025-05-14. Review status: criteria provided, single submitter. Criteria: Myriad Autosomal Dominant, Autosomal Recessive and X-Linked Classification Criteria (2023). Collection method: clinical testing. Allele origin: unknown.
Comment: This variant is considered benign. This variant is a silent/synonymous amino acid change and it is not expected to impact splicing.

Blueprint Genetics
Classification: Likely benign. Last evaluated: 2024-11-06. Review status: criteria provided, single submitter. Criteria: ACMG Guidelines, 2015. Collection method: clinical testing. Allele origin: germline.

Department of Pathology and Laboratory Medicine, Sinai Health System
Classification: Benign for Lymphangiomyomatosis; Isolated focal cortical dysplasia type II; Tuberous sclerosis 2. Last evaluated: 2024-08-14. Review status: criteria provided, single submitter. Criteria: ACMG Guidelines, 2015. Collection method: clinical testing. Allele origin: germline.

All of Us Research Program, National Institutes of Health
Classification: Benign for Tuberous sclerosis syndrome. Last evaluated: 2024-02-05. Review status: criteria provided, single submitter. Criteria: ACMG Guidelines, 2015. Collection method: clinical testing. Allele origin: germline. Inheritance: Autosomal dominant inheritance. Observed: 100 variant alleles, 99 heterozygotes, 1 homozygote.
Comment: This study involves interpretation of variants in research participants for the purpose of population health screening. Participant phenotype was not available at the time of variant classification. Additional details can be found in publication PMID: 35346344, PMCID: PMC8962531

Athena Diagnostics
Classification: Benign. Last evaluated: 2023-10-16. Review status: criteria provided, single submitter. Criteria: Athena Diagnostics Criteria. Collection method: clinical testing. Allele origin: unknown.

KCCC/NGS Laboratory, Kuwait Cancer Control Center
Classification: Benign for Tuberous sclerosis 2. Last evaluated: 2023-07-07. Review status: criteria provided, single submitter. Criteria: ACMG Guidelines, 2015. Collection method: clinical testing. Allele origin: germline. Affected: yes.

Color Diagnostics, LLC DBA Color Health
Classification: Benign for Tuberous sclerosis syndrome. Last evaluated: 2022-09-07. Review status: criteria provided, single submitter. Criteria: ACMG Guidelines, 2015. Collection method: clinical testing. Allele origin: germline.

Women's Health and Genetics/Laboratory Corporation of America, LabCorp
Classification: Benign. Last evaluated: 2021-11-30. Review status: criteria provided, single submitter. Criteria: LabCorp Variant Classification Summary - May 2015. Collection method: clinical testing. Allele origin: germline.

Genome-Nilou Lab
Classification: Benign for Tuberous sclerosis 2. Last evaluated: 2021-11-07. Review status: criteria provided, single submitter. Criteria: ACMG Guidelines, 2015. Collection method: clinical testing. Allele origin: germline. Affected: no.

Fulgent Genetics
Classification: Benign for Lymphangiomyomatosis; Isolated focal cortical dysplasia type II; Tuberous sclerosis 2. Last evaluated: 2021-08-24. Review status: criteria provided, single submitter. Criteria: ACMG Guidelines, 2015. Collection method: clinical testing. Allele origin: unknown.

Division of Genomic Medicine, Department of Advanced Medicine, Medical Research Institute, Kanazawa Medical University
Classification: Likely benign for Tuberous sclerosis 2. Last evaluated: 2020-07-10. Review status: criteria provided, single submitter. Criteria: ACMG Guidelines, 2015. Collection method: clinical testing. Allele origin: germline. Affected: yes. Observed: 6 variant alleles.

Illumina Laboratory Services, Illumina
Classification: Likely benign for Tuberous sclerosis syndrome. Last evaluated: 2018-05-03. Review status: criteria provided, single submitter. Criteria: ICSL Variant Classification Criteria 13 December 2019. Collection method: clinical testing. Allele origin: germline.
Comment: This variant was observed as part of a predisposition screen in an ostensibly healthy population. A literature search was performed for the gene, cDNA change, and amino acid change (where applicable). No publications were found based on this search. Allele frequency data from public databases allowed determination this variant is unlikely to cause disease. Therefore, this variant is classified as likely benign.

Ambry Genetics
Classification: Likely benign for Hereditary cancer-predisposing syndrome. Last evaluated: 2014-12-01. Review status: criteria provided, single submitter. Criteria: Ambry Variant Classification Scheme 2023. Collection method: clinical testing. Allele origin: germline.

GeneDx
Classification: Benign. Last evaluated: 2013-10-23. Review status: criteria provided, single submitter. Criteria: GeneDx Variant Classification (06012015). Collection method: clinical testing. Allele origin: germline. Affected: yes.
Comment: This variant is considered likely benign or benign based on one or more of the following criteria: it is a conservative change, it occurs at a poorly conserved position in the protein, it is predicted to be benign by multiple in silico algorithms, and/or has population frequency not consistent with disease.

PreventionGenetics, part of Exact Sciences
Classification: Benign. Review status: criteria provided, single submitter. Criteria: ACMG Guidelines, 2015. Collection method: clinical testing. Allele origin: germline.

Clinical Genetics DNA and cytogenetics Diagnostics Lab, Erasmus MC, Erasmus Medical Center
Classification: Benign. Review status: no assertion criteria provided. Collection method: clinical testing. Allele origin: germline. Affected: yes. Study: VKGL Data-share Consensus. Not counted in ClinVar's aggregate classification.

Genome Diagnostics Laboratory, Amsterdam University Medical Center
Classification: Likely benign. Review status: no assertion criteria provided. Collection method: clinical testing. Allele origin: germline. Affected: yes. Study: VKGL Data-share Consensus. Not counted in ClinVar's aggregate classification.

Tuberous sclerosis database (TSC2)
No classification provided. Condition: TSC. Review status: no classification provided. Criteria: Tuberous Sclerosis Database Assertion Criteria 2015. Collection method: curation. Allele origin: germline. Affected: yes. Not counted in ClinVar's aggregate classification.

Literature cited by the submitters: PubMed 10570911 (cited by Athena Diagnostics and Ambry Genetics); PubMed 15024740 (cited by Athena Diagnostics and Ambry Genetics); PubMed 10607950 (cited by Athena Diagnostics and Ambry Genetics); PubMed 16981987 (cited by Athena Diagnostics and Ambry Genetics); PubMed 25281918 (cited by Ambry Genetics).

NM_000548.5(TSC2):c.1593C>T (p.Ile531=)

Gene: TSC2 (TSC complex subunit 2; plus strand). Cytogenetic location: 16p13.3.
Variant type: single nucleotide variant.
Coding change: c.1593C>T on transcript NM_000548.5 (MANE Select); coding-DNA position 1593, C replaced by T.
Protein change: p.Ile531=; no amino-acid change (isoleucine 531 retained).
Molecular consequence: synonymous variant.
Genome position (GRCh38, 1-based): chr16:2,064,421, C>T. VCF-style: chr16-2064421-C-T. GRCh37 (hg19) VCF-style: chr16-2114422-C-T.
Other names: p.I531I:ATC>ATT; c.1593C>T (NM_000548.4); c.1593C>T, p.Ile531= (NM_001077183.3, NM_001114382.3, NM_001363528.2 and 3 more transcripts); c.1482C>T, p.Ile494= (NM_001318827.2); c.1446C>T, p.Ile482= (NM_001318829.2); c.993C>T, p.Ile331= (NM_001318831.2); c.1626C>T, p.Ile542= (NM_001318832.2).
Identifiers: ClinVar variation 49163 (VCV000049163.60), dbSNP rs45517180, ClinGen allele CA015176.